The following is an entry in ClinVar:

ClinVar aggregate classification (germline): Uncertain significance (1 of 4 stars; one submission).

Allele frequency attached by ClinVar (database versions not stated): gnomAD exomes below 0.00001; TOPMed below 0.00001.
gnomAD v4.1: 5 of 1,614,178 alleles (0.00031%); highest among the groups gnomAD compares: Non-Finnish European, 0.00034%; no homozygotes.

Submission:

Labcorp Genetics (formerly Invitae), Labcorp
Classification: Uncertain significance. Last evaluated: 2022-07-19. Review status: criteria provided, single submitter. Criteria: Invitae Variant Classification Sherloc (09022015). Collection method: clinical testing. Allele origin: germline.
Comment: In summary, the available evidence is currently insufficient to determine the role of this variant in disease. Therefore, it has been classified as a Variant of Uncertain Significance. Experimental studies and prediction algorithms are not available or were not evaluated, and the functional significance of this variant is currently unknown. This variant has not been reported in the literature in individuals affected with ARMC9-related conditions. This variant is not present in population databases (gnomAD no frequency). This sequence change replaces methionine, which is neutral and non-polar, with threonine, which is neutral and polar, at codon 495 of the ARMC9 protein (p.Met495Thr).

NM_001352754.2(ARMC9):c.1484T>C (p.Met495Thr)

Gene: ARMC9 (armadillo repeat containing 9; plus strand). Cytogenetic location: 2q37.1.
Variant type: single nucleotide variant.
Coding change: c.1484T>C on transcript NM_001352754.2 (MANE Select); coding-DNA position 1484, T replaced by C.
Protein change: p.Met495Thr; replaces methionine 495 with threonine.
Molecular consequence: missense variant. On other transcripts: non-coding transcript variant (1).
Genome position (GRCh38, 1-based): chr2:231,278,391, T>C. VCF-style: chr2-231278391-T-C. GRCh37 (hg19) VCF-style: chr2-232143104-T-C.
Other names: c.1484T>C, p.Met495Thr (NM_001271466.4, NM_001291656.2, NM_001352755.2 and 3 more transcripts); c.1385T>C, p.Met462Thr (NM_001352757.2, NM_001352758.2); short protein forms M462T, M495T.
Identifiers: ClinVar variation 2158504 (VCV002158504.4), dbSNP rs986009932, ClinGen allele CA66825609.